The following is an entry in ClinVar:

NM_206933.4(USH2A):c.9799T>C (p.Cys3267Arg)

Gene: USH2A (usherin; minus strand). Cytogenetic location: 1q41.
Variant type: single nucleotide variant.
Coding change: c.9799T>C on transcript NM_206933.4 (MANE Select); coding-DNA position 9799, T replaced by C.
Protein change: p.Cys3267Arg; replaces cysteine 3267 with arginine.
Molecular consequence: missense variant.
Genome position (GRCh38, 1-based): chr1:215,799,066, A>G on the plus strand (T>C on the coding strand, the complement: USH2A is on the minus strand). VCF-style: chr1-215799066-A-G. GRCh37 (hg19) VCF-style: chr1-215972408-A-G.
Other names: short protein forms C3267R.
Identifiers: ClinVar variation 48634 (VCV000048634.25), dbSNP rs111033263, ClinGen allele CA262135.

ClinVar aggregate classification (germline): Pathogenic/Likely pathogenic. Review status: criteria provided, multiple submitters, no conflicts (2 of 4 stars). 12 submissions from 11 submitters: Pathogenic (5); Likely pathogenic (4). 3 of the submissions do not count toward it. Last evaluated 2026-01-29.

Conditions:
Rare genetic deafness. Identifiers: Orphanet 96210, MedGen C5680250.
USH2A-related disorder. Also called: USH2A-related condition; USH2A-related disorders. Identifiers: MedGen CN239332.
Retinal dystrophy. Also called: Inherited retinal dystrophy. Identifiers: Orphanet 71862, MedGen C0854723, MeSH D058499, MONDO:0019118, HP:0000556.
Usher syndrome type 2A. Also called: USHER SYNDROME, TYPE IIA; RETINAL DISEASE IN USHER SYNDROME TYPE IIA, MODIFIER OF. Identifiers: Orphanet 231178, Orphanet 886, MedGen C1848634, MONDO:0010169, OMIM 276901.
Retinitis pigmentosa 39 (RP39). Identifiers: Orphanet 791, MedGen C3151138, MONDO:0013436, OMIM 613809.
Retinitis pigmentosa (RP). Identifiers: Orphanet 791, MedGen C0035334, MeSH D012174, MONDO:0019200, OMIM 268000. Inheritance: Autosomal dominant, autosomal recessive and X linked inheritance.

Allele frequency attached by ClinVar (database versions not stated): gnomAD exomes below 0.00001 and 0.00001; gnomAD 0.00001; TOPMed 0.00001.
gnomAD v4.1: 16 of 1,613,978 alleles (0.00099%); highest among the groups gnomAD compares: Admixed American, 0.005%; no homozygotes.

Submissions (12):

Natera, Inc.
Classification: Pathogenic for Usher syndrome type 2A. Last evaluated: 2026-01-29. Review status: criteria provided, single submitter. Criteria: Natera Variant Classification Schema (03/2026). Collection method: clinical testing. Allele origin: germline.
Comment: The c.9799T>C variant in USH2A is a missense variant predicted to cause substitution of cysteine to arginine at amino acid 3267. This variant is rare in the general population with a frequency below the threshold expected for the associated phenotype(s). This variant has been observed in one or more individuals affected with the associated recessive disease, as either homozygous or compound heterozygous with a second variant (PMID: 33297549, 17085681, 34948090). Additionally, this variant has been observed to segregate in affected family members (PMID: 17085681). Given the available evidence, this variant is classified as Pathogenic.

Labcorp Genetics (formerly Invitae), Labcorp
Classification: Pathogenic. Last evaluated: 2025-11-16. Review status: criteria provided, single submitter. Criteria: Invitae Variant Classification Sherloc (09022015). Collection method: clinical testing. Allele origin: germline.
Comment: This sequence change replaces cysteine, which is neutral and slightly polar, with arginine, which is basic and polar, at codon 3267 of the USH2A protein (p.Cys3267Arg). This variant is present in population databases (rs111033263, gnomAD 0.006%). This missense change has been observed in individual(s) with Usher syndrome or isolated retinitis pigmentosa (PMID: 17085681, 22004887, 25404053, 30190494). In at least one individual the data is consistent with being in trans (on the opposite chromosome) from a pathogenic variant. ClinVar contains an entry for this variant (Variation ID: 48634). Invitae Evidence Modeling of protein sequence and biophysical properties (such as structural, functional, and spatial information, amino acid conservation, physicochemical variation, residue mobility, and thermodynamic stability) indicates that this missense variant is expected to disrupt USH2A protein function with a positive predictive value of 95%. For these reasons, this variant has been classified as Pathogenic.

Baylor Genetics
Classification: Pathogenic for Retinitis pigmentosa 39. Last evaluated: 2024-02-08. Review status: criteria provided, single submitter. Criteria: ACMG Guidelines, 2015. Collection method: clinical testing. Allele origin: unknown.

Genome-Nilou Lab
Classification: Likely pathogenic for Retinitis pigmentosa 39. Last evaluated: 2023-11-04. Review status: criteria provided, single submitter. Criteria: ACMG Guidelines, 2015. Collection method: clinical testing. Allele origin: germline. Affected: no.

Genome-Nilou Lab
Classification: Likely pathogenic for Usher syndrome type 2A. Last evaluated: 2023-11-04. Review status: criteria provided, single submitter. Criteria: ACMG Guidelines, 2015. Collection method: clinical testing. Allele origin: germline. Affected: no.

Dept Of Ophthalmology, Nagoya University
Classification: Pathogenic for Retinal dystrophy. Last evaluated: 2023-10-01. Review status: criteria provided, single submitter. Criteria: Submitter's publication. Collection method: research. Allele origin: germline. Affected: yes.

3billion
Classification: Likely pathogenic for Usher syndrome type 2A. Last evaluated: 2023-06-19. Review status: criteria provided, single submitter. Criteria: ACMG Guidelines, 2015. Collection method: clinical testing. Allele origin: germline. Affected: yes.
Comment: The variant is observed at an extremely low frequency in the gnomAD v2.1.1 dataset (total allele frequency: <0.001%). Predicted Consequence/Location: Protein truncation variants are a common disease-causing mechanism. In silico tool predictions suggest damaging effect of the variant on gene or gene product (REVEL: 0.78; 3Cnet: 0.63). The same nucleotide change resulting in the same amino acid change has been previously reported as pathogenic/likely pathogenic with strong evidence (ClinVar ID: VCV000048634 /PMID: 17085681). Different missense changes at the same codon (p.Cys3267Phe, p.Cys3267Trp) have been reported to be associated with USH2A related disorder (ClinVar ID: VCV001006654 /PMID: 25356976). Therefore, this variant is classified as Likely pathogenic according to the recommendation of ACMG/AMP guideline.

Blueprint Genetics
Classification: Pathogenic for USH2A-related disorders. Last evaluated: 2022-09-30. Review status: criteria provided, single submitter. Criteria: ACMG Guidelines, 2015. Collection method: clinical testing. Allele origin: germline. Affected: yes. Observed: 5 variant alleles.

AiLife Diagnostics
Classification: Likely pathogenic. Last evaluated: 2021-07-31. Review status: criteria provided, single submitter. Criteria: ACMG Guidelines, 2015. Collection method: clinical testing. Allele origin: germline. Affected: yes. Observed: 1 variant allele.

Department of Clinical Genetics, Copenhagen University Hospital, Rigshospitalet
Classification: Likely pathogenic for Retinitis pigmentosa. Last evaluated: 2018-04-01. Review status: no assertion criteria provided. Collection method: research. Allele origin: unknown. Affected: yes. Study: VeluxRD. Not counted in ClinVar's aggregate classification.

Counsyl
Classification: Pathogenic for Usher syndrome type 2A; Retinitis pigmentosa 39. Last evaluated: 2017-06-30. Review status: no assertion criteria provided. Collection method: clinical testing. Allele origin: unknown. Not counted in ClinVar's aggregate classification.

Laboratory for Molecular Medicine, Mass General Brigham Personalized Medicine
Classification: Likely pathogenic for Rare genetic deafness. Last evaluated: 2007-08-28. Review status: no assertion criteria provided. Collection method: clinical testing. Allele origin: germline. Observed: 1 variant allele. Not counted in ClinVar's aggregate classification.

Literature cited by the submitters: PubMed 33297549 (cited by Natera, Inc.); PubMed 17085681 (cited by 6 submitters); PubMed 34948090 (cited by Natera, Inc.); PubMed 22004887 (cited by Labcorp Genetics (formerly Invitae), Labcorp); PubMed 25404053 (cited by 3 submitters); PubMed 30190494 (cited by Labcorp Genetics (formerly Invitae), Labcorp and AiLife Diagnostics); PubMed 25356976 (cited by 3billion); PubMed 20507924 (cited by AiLife Diagnostics); PubMed 27596865 (cited by AiLife Diagnostics); PubMed 30718709 (cited by Department of Clinical Genetics, Copenhagen University Hospital, Rigshospitalet); PubMed 22135276 (cited by Counsyl); PubMed 24516651 (cited by Counsyl); PubMed 19683999 (cited by Counsyl); PubMed 23755871 (cited by Counsyl).